The following is an entry in ClinVar:

ClinVar aggregate classification (germline): Benign/Likely benign. Review status: criteria provided, multiple submitters, no conflicts (2 of 4 stars). 6 submissions from 4 submitters: Benign (5); Likely benign (1). Last evaluated 2021-12-05.

Conditions:
ANO5-Related Muscle Diseases. Identifiers: MedGen CN180644.
Miyoshi muscular dystrophy 3 (MMD3). Also called: Miyoshi Muscular Dystrophy 3 (MMD3); Miyoshi myopathy 3. Identifiers: Orphanet 399096, MedGen C2750076, MONDO:0013222, OMIM 613319.
Gnathodiaphyseal dysplasia (GDD). Also called: GNATHODIAPHYSEAL SCLEROSIS; OSTEOGENESIS IMPERFECTA WITH UNUSUAL SKELETAL LESIONS. Identifiers: Orphanet 53697, MedGen C1833736, MONDO:0008151, OMIM 166260.
Autosomal recessive limb-girdle muscular dystrophy type 2L (LGMDR12). Also called: Limb-girdle muscular dystrophy, type 2L; Limb-Girdle Muscular Dystrophy R12 Anoctamin-5-Related (LGMD-R12); MUSCULAR DYSTROPHY, LIMB-GIRDLE, AUTOSOMAL RECESSIVE 12. Identifiers: Orphanet 206549, MedGen C1969785, MONDO:0012652, OMIM 611307.

Allele frequency attached by ClinVar (database versions not stated): 1000 Genomes Project 0.56749; 1000 Genomes Project 30x 0.57386; TOPMed 0.63059; gnomAD 0.64740 and 0.65457.

Submissions (6):

Genome-Nilou Lab
Classification: Benign for Gnathodiaphyseal dysplasia. Last evaluated: 2021-12-05. Review status: criteria provided, single submitter. Criteria: ACMG Guidelines, 2015. Collection method: clinical testing. Allele origin: germline. Affected: no.

Genome-Nilou Lab
Classification: Benign for Miyoshi muscular dystrophy 3. Last evaluated: 2021-12-05. Review status: criteria provided, single submitter. Criteria: ACMG Guidelines, 2015. Collection method: clinical testing. Allele origin: germline. Affected: no.

Genome-Nilou Lab
Classification: Benign for Autosomal recessive limb-girdle muscular dystrophy type 2L. Last evaluated: 2021-12-05. Review status: criteria provided, single submitter. Criteria: ACMG Guidelines, 2015. Collection method: clinical testing. Allele origin: germline. Affected: no.

GeneDx
Classification: Benign. Last evaluated: 2021-05-10. Review status: criteria provided, single submitter. Criteria: GeneDx Variant Classification Process June 2021. Collection method: clinical testing. Allele origin: germline. Affected: yes.

Illumina Laboratory Services, Illumina
Classification: Benign for ANO5-Related Muscle Diseases. Last evaluated: 2018-01-12. Review status: criteria provided, single submitter. Criteria: ICSL Variant Classification Criteria 13 December 2019. Collection method: clinical testing. Allele origin: germline.
Comment: This variant was observed in the ICSL laboratory as part of a predisposition screen in an ostensibly healthy population. It had not been previously curated by ICSL or reported in the Human Gene Mutation Database (HGMD: prior to June 1st, 2018), and was therefore a candidate for classification through an automated scoring system. Utilizing variant allele frequency, disease prevalence and penetrance estimates, and inheritance mode, an automated score was calculated to assess if this variant is too frequent to cause the disease. Based on the score and internal cut-off values, a variant classified as benign is not then subjected to further curation. The score for this variant resulted in a classification of benign for this disease.

Breakthrough Genomics
Classification: Likely benign. Review status: criteria provided, single submitter. Criteria: ACMG Guidelines, 2015. Collection method: not provided. Allele origin: germline. Inheritance: Autosomal recessive inheritance. Affected: yes.

NM_213599.3(ANO5):c.*1286G>T

Gene: ANO5 (anoctamin 5; plus strand). Cytogenetic location: 11p14.3.
Variant type: single nucleotide variant.
Coding change: c.*1286G>T on transcript NM_213599.3 (MANE Select); 1286 bases downstream of the stop codon, G replaced by T.
Molecular consequence: 3 prime UTR variant.
Genome position (GRCh38, 1-based): chr11:22,281,051, G>T. VCF-style: chr11-22281051-G-T. GRCh37 (hg19) VCF-style: chr11-22302597-G-T.
Other names: c.*1286G>T (NM_001142649.2).
Identifiers: ClinVar variation 304130 (VCV000304130.10), dbSNP rs7925081, ClinGen allele CA10638799.